The following is an entry in ClinVar:

NM_012471.3(TRPC5):c.2371C>A (p.Arg791=)

Gene: TRPC5 (transient receptor potential cation channel subfamily C member 5; minus strand). Cytogenetic location: Xq23.
Variant type: single nucleotide variant.
Coding change: c.2371C>A on transcript NM_012471.3 (MANE Select); coding-DNA position 2371, C replaced by A.
Protein change: p.Arg791=; no amino-acid change (arginine 791 retained).
Molecular consequence: synonymous variant.
Genome position (GRCh38, 1-based): chrX:111,776,864, G>T on the plus strand (C>A on the coding strand, the complement: TRPC5 is on the minus strand). VCF-style: chrX-111776864-G-T. GRCh37 (hg19) VCF-style: chrX-111020092-G-T.
Identifiers: ClinVar variation 3029850 (VCV003029850.2), dbSNP rs138566611, ClinGen allele CA10494158.

ClinVar aggregate classification (germline): Likely benign (0 of 4 stars; one submission).

Conditions:
TRPC5-related disorder. Also called: TRPC5-related condition.

Allele frequency attached by ClinVar (database versions not stated): ESP Exome Variant Server 0.00009.
gnomAD v4.1: 248 of 1,209,741 alleles (0.021%); highest among the groups gnomAD compares: Non-Finnish European, 0.027%; no homozygotes.

Submission:

PreventionGenetics, part of Exact Sciences
Classification: Likely benign for TRPC5-related condition. Last evaluated: 2021-10-29. Review status: no assertion criteria provided. Collection method: clinical testing. Allele origin: germline.
Comment: This variant is classified as likely benign based on ACMG/AMP sequence variant interpretation guidelines (Richards et al. 2015 PMID: 25741868, with internal and published modifications).